The following is an entry in ClinVar:

NM_000188.3(HK1):c.2448T>G (p.Ser816Arg)

Gene: HK1 (hexokinase 1; plus strand). Cytogenetic location: 10q22.1.
Variant type: single nucleotide variant.
Coding change: c.2448T>G on transcript NM_000188.3 (MANE Select); coding-DNA position 2448, T replaced by G.
Protein change: p.Ser816Arg; replaces serine 816 with arginine.
Molecular consequence: missense variant.
Genome position (GRCh38, 1-based): chr10:69,398,667, T>G. VCF-style: chr10-69398667-T-G. GRCh37 (hg19) VCF-style: chr10-71158423-T-G.
Other names: c.2460T>G, p.Ser820Arg (NM_001322364.2, NM_001358263.1, NM_033497.3 and 1 more transcripts); c.2553T>G, p.Ser851Arg (NM_001322365.2); c.2364T>G, p.Ser788Arg (NM_001322366.1); c.2352T>G, p.Ser784Arg (NM_001322367.1); c.2445T>G, p.Ser815Arg (NM_033496.3); c.2412T>G, p.Ser804Arg (NM_033500.2); short protein forms S784R, S788R, S804R, S816R, S820R, S815R, S851R.
Identifiers: ClinVar variation 3544388 (VCV003544388.1).

ClinVar aggregate classification (germline): Uncertain significance (1 of 4 stars; one submission).

Conditions:
Neurodevelopmental disorder with visual defects and brain anomalies. Identifiers: MedGen C5231404, MONDO:0032807, OMIM 618547.

Submission:

Wendy Chung Laboratory, Boston Children's Hospital
Classification: Uncertain significance for Neurodevelopmental disorder with visual defects and brain anomalies. Last evaluated: 2024-12-05. Review status: criteria provided, single submitter. Criteria: ACMG Guidelines, 2015. Collection method: clinical testing. Allele origin: de novo. Inheritance: Autosomal dominant inheritance. Affected: yes. Observed: 1 heterozygote.
Comment: The c.2448T>G variant has previously been reported in at least two individuals in the literature from SPARK and DDD cohorts albeit without clinical phenotype provided (PMID: 35982159, 33057194); it has not been deposited in ClinVar. The c.2448T>G variant is absent from population databases (gnomAD v4.1.0, TOPMed Freeze 10, All of Us). The c.2448T>G variant is located in exon 17 of this 18-exon gene and predicted to replace an evolutionarily conserved serine amino acid with arginine at position 816 [p.(Ser816Arg)] within the hexokinase large subdomain 2 of the encoded protein. At least one in silico prediction tool is in support of damaging effect for the p.(Ser816Arg) variant; however, there are no functional studies to confirm or refute these predictions. Based on available evidence this apparently de novo heterozygous c.2448T>G:p.(Ser816Arg) variant identified in HK1 in this individual is classified as Variant of Uncertain Significance (PS2_Mod + PM2_Supp + PP3).